The following is an entry in ClinVar:

ClinVar aggregate classification (germline): Likely benign. Review status: criteria provided, single submitter (1 of 4 stars). 2 submissions from 2 submitters: Likely benign (1). 1 of the submissions does not count toward it. Last evaluated 2023-10-20.

Conditions:
Isovaleryl-CoA dehydrogenase deficiency (IVA). Also called: ISOVALERIC ACID CoA DEHYDROGENASE DEFICIENCY; Isovaleric acidemia; IVD DEFICIENCY; Classic Isovaleric Acidemia. Identifiers: Orphanet 33, MedGen C0268575, MONDO:0009475, OMIM 243500.
IVD-related disorder. Also called: IVD-related condition.

Allele frequency attached by ClinVar (database versions not stated): gnomAD exomes below 0.00001 and 0.00002; ExAC 0.00005.
gnomAD v4.1: 7 of 1,614,130 alleles (0.00043%); highest among the groups gnomAD compares: Non-Finnish European, 0.00051%; no homozygotes.

Submissions (2):

Labcorp Genetics (formerly Invitae), Labcorp
Classification: Likely benign for Isovaleryl-CoA dehydrogenase deficiency. Last evaluated: 2023-10-20. Review status: criteria provided, single submitter. Criteria: Invitae Variant Classification Sherloc (09022015). Collection method: clinical testing. Allele origin: germline.

PreventionGenetics, part of Exact Sciences
Classification: Likely benign for IVD-related condition. Last evaluated: 2024-03-28. Review status: no assertion criteria provided. Collection method: clinical testing. Allele origin: germline. Not counted in ClinVar's aggregate classification.
Comment: This variant is classified as likely benign based on ACMG/AMP sequence variant interpretation guidelines (Richards et al. 2015 PMID: 25741868, with internal and published modifications).

NM_002225.5(IVD):c.897G>A (p.Leu299=)

Gene: IVD (isovaleryl-CoA dehydrogenase; plus strand). Cytogenetic location: 15q15.1.
Variant type: single nucleotide variant.
Coding change: c.897G>A on transcript NM_002225.5 (MANE Select); coding-DNA position 897, G replaced by A.
Protein change: p.Leu299=; no amino-acid change (leucine 299 retained).
Molecular consequence: synonymous variant. On other transcripts: non-coding transcript variant (1).
Genome position (GRCh38, 1-based): chr15:40,415,419, G>A. VCF-style: chr15-40415419-G-A. GRCh37 (hg19) VCF-style: chr15-40707618-G-A.
Other names: c.807G>A, p.Leu269= (NM_001159508.3); c.849G>A, p.Leu283= (NM_001354597.3); c.897G>A, p.Leu299= (NM_001354598.3, NM_001354601.3); c.984G>A, p.Leu328= (NM_001354599.3, NM_001354600.3); c.906G>A (NM_002225.3).
Identifiers: ClinVar variation 1556730 (VCV001556730.9), dbSNP rs751049911, ClinGen allele CA7480795.